The following is an entry in ClinVar:

ClinVar aggregate classification (germline): Pathogenic (1 of 4 stars; one submission).

Conditions:
Nemaline myopathy 2 (NEM2). Also called: Nemaline myopathy 2, autosomal recessive. Identifiers: MedGen C1850569, MONDO:0009725, OMIM 256030.

Submission:

Labcorp Genetics (formerly Invitae), Labcorp
Classification: Pathogenic for Nemaline myopathy 2. Last evaluated: 2023-09-08. Review status: criteria provided, single submitter. Criteria: Invitae Variant Classification Sherloc (09022015). Collection method: clinical testing. Allele origin: germline.
Comment: For these reasons, this variant has been classified as Pathogenic. ClinVar contains an entry for this variant (Variation ID: 1073868). This variant has not been reported in the literature in individuals affected with NEB-related conditions. The frequency data for this variant in the population databases (gnomAD) is considered unreliable due to the presence of homologous sequence, such as pseudogenes or paralogs, in the genome. This sequence change creates a premature translational stop signal (p.Trp4220*) in the NEB gene. It is expected to result in an absent or disrupted protein product. Loss-of-function variants in NEB are known to be pathogenic (PMID: 25205138). This variant occurs in a region of NEB (Exons 82-105) consisting of three highly homologous 8-exon repeat units (exons 82-89, exons 90-97, exons 98-105). Sequence variants in this region can be detected, but this assay cannot determine which of the three repeat units is affected, and zygosity is often ambiguous. All variants in this region are reported relative to the exon 82-89 repeat.

Literature cited by the submitters: PubMed 25205138.

NM_001164508.2(NEB):c.12659G>A (p.Trp4220Ter)

Gene: NEB (nebulin; minus strand). Cytogenetic location: 2q23.3.
Variant type: single nucleotide variant.
Coding change: c.12659G>A on transcript NM_001164508.2 (MANE Select); coding-DNA position 12659, G replaced by A.
Protein change: p.Trp4220Ter; replaces tryptophan 4220 with a stop codon.
Molecular consequence: nonsense. On other transcripts: intron variant (1).
Genome position (GRCh38, 1-based): chr2:151,606,694, C>T on the plus strand (G>A on the coding strand, the complement: NEB is on the minus strand). VCF-style: chr2-151606694-C-T. GRCh37 (hg19) VCF-style: chr2-152463208-C-T.
Other names: c.12659G>A, p.Trp4220Ter (NM_001164507.2, NM_001271208.2); c.11601+3115G>A (NM_004543.5); short protein forms W4220*.
Identifiers: ClinVar variation 1073868 (VCV001073868.9), dbSNP rs2153953739, ClinGen allele CA348774555.